The following is an entry in ClinVar:

NM_002633.3(PGM1):c.1280+106G>T

Gene: PGM1 (phosphoglucomutase 1; plus strand). Cytogenetic location: 1p31.3.
Variant type: single nucleotide variant.
Coding change: c.1280+106G>T on transcript NM_002633.3 (MANE Select); 106 bases into the intron after coding-DNA position 1280, G replaced by T.
Molecular consequence: intron variant.
Genome position (GRCh38, 1-based): chr1:63,648,758, G>T. VCF-style: chr1-63648758-G-T. GRCh37 (hg19) VCF-style: chr1-64114429-G-T.
Other names: c.689+106G>T (NM_001172819.2); c.1334+106G>T (NM_001172818.1).
Identifiers: ClinVar variation 1269299 (VCV001269299.3), dbSNP rs11576729, ClinGen allele CA10902737.
Genomic context (GRCh38, chr1:63,648,758, plus strand): 5'-GCAGAGAGAATTCTTGCGCATCCACAGCCTCTCCTGTCTTAAGTGCTAATAAAACCCTAG[G>T]TCATCCAGCCTCTCTCAATTGGAGACTTTAAAAATAATCTGGTCAGGGATGAAATGAAGT-3'

ClinVar aggregate classification (germline): Benign. Review status: criteria provided, multiple submitters, no conflicts (2 of 4 stars). 2 submissions from 2 submitters: Benign (2). Last evaluated 2024-01-24.

Allele frequency attached by ClinVar (database versions not stated): gnomAD 0.21024 and 0.21110; 1000 Genomes Project 0.22564; 1000 Genomes Project 30x 0.22767.
gnomAD v4.1: 241,903 of 1,208,834 alleles (20%); highest among the groups gnomAD compares: Admixed American, 39%; 26,461 homozygotes.

Submissions (2):

Unidad de Genómica Garrahan, Hospital de Pediatría Garrahan
Classification: Benign. Last evaluated: 2024-01-24. Review status: criteria provided, single submitter. Criteria: ACMG Guidelines, 2015. Collection method: clinical testing. Allele origin: germline. Affected: no. Observed: 25 variant alleles.
Comment: This variant is classified as Benign based on local population frequency. This variant was detected in 26% of patients studied by a panel of primary immunodeficiencies. Number of patients: 25. Only high quality variants are reported.

GeneDx
Classification: Benign. Last evaluated: 2018-06-23. Review status: criteria provided, single submitter. Criteria: GeneDx Variant Classification Process June 2021. Collection method: clinical testing. Allele origin: germline. Affected: yes.